The following is an entry in ClinVar:

ClinVar aggregate classification (germline): Likely benign. Review status: criteria provided, multiple submitters, no conflicts (2 of 4 stars). 2 submissions from 2 submitters: Likely benign (2). Last evaluated 2026-09-01.

Allele frequency attached by ClinVar (database versions not stated): gnomAD exomes 0.00002 and 0.00005; TOPMed 0.00002; gnomAD 0.00004 and 0.00005; ExAC 0.00005.
gnomAD v4.1: 31 of 1,587,772 alleles (0.002%); highest among the groups gnomAD compares: Admixed American, 0.02%; no homozygotes.

Submissions (2):

CeGaT Center for Human Genetics Tuebingen
Classification: Likely benign. Last evaluated: 2026-09-01. Review status: criteria provided, single submitter. Criteria: CeGaT Center For Human Genetics Tuebingen Variant Classification Criteria Version 2. Collection method: clinical testing. Allele origin: germline. Affected: yes. Observed: 1 variant allele.
Comment: TSEN54: BP4, BP7

Labcorp Genetics (formerly Invitae), Labcorp
Classification: Likely benign. Last evaluated: 2025-12-14. Review status: criteria provided, single submitter. Criteria: Invitae Variant Classification Sherloc (09022015). Collection method: clinical testing. Allele origin: germline.

NM_207346.3(TSEN54):c.108C>T (p.Arg36=)

Gene: TSEN54 (tRNA splicing endonuclease subunit 54; plus strand). Cytogenetic location: 17q25.1.
Variant type: single nucleotide variant.
Coding change: c.108C>T on transcript NM_207346.3 (MANE Select); coding-DNA position 108, C replaced by T.
Protein change: p.Arg36=; no amino-acid change (arginine 36 retained).
Molecular consequence: synonymous variant.
Genome position (GRCh38, 1-based): chr17:75,516,797, C>T. VCF-style: chr17-75516797-C-T. GRCh37 (hg19) VCF-style: chr17-73512878-C-T.
Identifiers: ClinVar variation 1549790 (VCV001549790.9), dbSNP rs775687022, ClinGen allele CA8763969.